The following is an entry in ClinVar:

NM_000023.4(SGCA):c.488dup (p.Leu164fs)

Gene: SGCA (sarcoglycan alpha; plus strand). Cytogenetic location: 17q21.33.
Variant type: Duplication.
Coding change: c.488dup on transcript NM_000023.4 (MANE Select); coding-DNA position 488, one base duplicated (G; older notation c.488dupG).
Protein change: p.Leu164fs; shifts the reading frame from leucine 164.
Molecular consequence: frameshift variant. On other transcripts: non-coding transcript variant (1).
Genome position (GRCh38, 1-based): chr17:50,168,476, G duplicated; the last of 6 consecutive G bases (chr17:50,168,471-50,168,476); duplicating any one gives the same sequence. VCF-style (leftmost placement, unchanged base first): chr17-50168470-T-TG. GRCh37 (hg19) VCF-style: chr17-48245831-T-TG.
Other names: c.488dupG (NM_000023.3); c.488dup, p.Leu164fs (NM_001135697.3); c.488dup (NM_000023.2); short protein forms L164fs.
Identifiers: ClinVar variation 370116 (VCV000370116.17), dbSNP rs763986788, ClinGen allele CA8643811.

ClinVar aggregate classification (germline): Pathogenic. Review status: criteria provided, multiple submitters, no conflicts (2 of 4 stars). 7 submissions from 7 submitters: Pathogenic (6). 1 of the submissions does not count toward it. Last evaluated 2025-09-17.

Conditions:
Autosomal recessive limb-girdle muscular dystrophy type 2D (LGMDR3). Also called: ADHALINOPATHY, PRIMARY; DUCHENNE-LIKE AUTOSOMAL RECESSIVE MUSCULAR DYSTROPHY, TYPE 2; MUSCULAR DYSTROPHY, LIMB-GIRDLE, AUTOSOMAL RECESSIVE 3. Identifiers: Orphanet 62, MedGen C2936332, MONDO:0011968, OMIM 608099. Disease mechanism: Affects gamma-sarcoglycan and also disrupts the integrity of the entire sarcoglycan complex..

Submissions (7):

Natera, Inc.
Classification: Pathogenic for Limb-girdle muscular dystrophy type 2D. Last evaluated: 2025-09-17. Review status: criteria provided, single submitter. Criteria: Natera Variant Classification Schema (03/2026). Collection method: clinical testing. Allele origin: germline.
Comment: The c.488dupG variant in SGCA is a frameshift variant predicted to shift the reading frame beginning at codon 164 and leads to a stop codon 27 codons downstream. This variant is expected to result in nonsense mediated decay, truncation, or a dysfunctional protein product. This variant is rare in the general population with a frequency below the threshold expected for the associated phenotype(s). This variant has been observed in one or more individuals affected with the associated recessive disease, as either homozygous or compound heterozygous with a second variant (PMID: 39678382). Given the available evidence, this variant is classified as Pathogenic.

GeneDx
Classification: Pathogenic. Last evaluated: 2025-07-11. Review status: criteria provided, single submitter. Criteria: GeneDx Variant Classification Process June 2021. Collection method: clinical testing. Allele origin: germline. Affected: yes.
Comment: Reported in an individual with limb-girdle weakness, calf hypertrophy, and elevated CK levels who harbored an additional SGCA variant (PMID: 18996010); Frameshift variant predicted to result in protein truncation or nonsense mediated decay in a gene for which loss of function is a known mechanism of disease; Not observed in large population cohorts (gnomAD); This variant is associated with the following publications: (PMID: 31589614, 32875335, 18996010)

Fulgent Genetics
Classification: Pathogenic for Autosomal recessive limb-girdle muscular dystrophy type 2D. Last evaluated: 2024-05-11. Review status: criteria provided, single submitter. Criteria: ACMG Guidelines, 2015. Collection method: clinical testing. Allele origin: germline.

Baylor Genetics
Classification: Pathogenic for Autosomal recessive limb-girdle muscular dystrophy type 2D. Last evaluated: 2023-08-24. Review status: criteria provided, single submitter. Criteria: ACMG Guidelines, 2015. Collection method: clinical testing. Allele origin: unknown.

Labcorp Genetics (formerly Invitae), Labcorp
Classification: Pathogenic for Autosomal recessive limb-girdle muscular dystrophy type 2D. Last evaluated: 2023-07-03. Review status: criteria provided, single submitter. Criteria: Invitae Variant Classification Sherloc (09022015). Collection method: clinical testing. Allele origin: germline.
Comment: This sequence change creates a premature translational stop signal (p.Leu164Thrfs*27) in the SGCA gene. It is expected to result in an absent or disrupted protein product. Loss-of-function variants in SGCA are known to be pathogenic (PMID: 9192266). The frequency data for this variant in the population databases is considered unreliable, as metrics indicate poor data quality at this position in the gnomAD database. For these reasons, this variant has been classified as Pathogenic. ClinVar contains an entry for this variant (Variation ID: 370116). This premature translational stop signal has been observed in individual(s) with limb-girdle muscular dystrophy (PMID: 18996010).

Genome-Nilou Lab
Classification: Pathogenic for Autosomal recessive limb-girdle muscular dystrophy type 2D. Last evaluated: 2023-02-08. Review status: criteria provided, single submitter. Criteria: ACMG Guidelines, 2015. Collection method: clinical testing. Allele origin: germline.

Counsyl
Classification: Likely pathogenic for Autosomal recessive limb-girdle muscular dystrophy type 2D. Last evaluated: 2015-11-27. Review status: no assertion criteria provided. Collection method: clinical testing. Allele origin: unknown. Not counted in ClinVar's aggregate classification.

Literature cited by the submitters: PubMed 39678382 (cited by Natera, Inc.); PubMed 9192266 (cited by Labcorp Genetics (formerly Invitae), Labcorp); PubMed 18996010 (cited by Labcorp Genetics (formerly Invitae), Labcorp and Counsyl).